The following is an entry in ClinVar:

ClinVar aggregate classification (germline): Conflicting classifications of pathogenicity. Review status: criteria provided, conflicting classifications (1 of 4 stars). 4 submissions from 4 submitters: Uncertain significance (3); Likely benign (1). Last evaluated 2024-12-23.

Conditions:
Sessile serrated polyposis cancer syndrome (SSPCS). Identifiers: Orphanet 157798, MedGen C4310714, MONDO:0014919, OMIM 617108.

Allele frequency attached by ClinVar (database versions not stated): ExAC 0.00003; gnomAD exomes 0.00003; gnomAD 0.00005; TOPMed 0.00006.
gnomAD v4.1: 46 of 1,608,066 alleles (0.0029%); highest among the groups gnomAD compares: African/African-American, 0.008%; no homozygotes.

Submissions (4):

Ambry Genetics
Classification: Likely benign. Last evaluated: 2024-12-23. Review status: criteria provided, single submitter. Criteria: Ambry Variant Classification Scheme 2023. Collection method: clinical testing. Allele origin: germline.

Labcorp Genetics (formerly Invitae), Labcorp
Classification: Uncertain significance. Last evaluated: 2024-12-08. Review status: criteria provided, single submitter. Criteria: Invitae Variant Classification Sherloc (09022015). Collection method: clinical testing. Allele origin: germline.
Comment: This sequence change replaces proline, which is neutral and non-polar, with leucine, which is neutral and non-polar, at codon 229 of the RNF43 protein (p.Pro229Leu). This variant is present in population databases (rs763974538, gnomAD 0.008%). This variant has not been reported in the literature in individuals affected with RNF43-related conditions. ClinVar contains an entry for this variant (Variation ID: 1021876). An algorithm developed to predict the effect of missense changes on protein structure and function (PolyPhen-2) suggests that this variant is likely to be disruptive. In summary, the available evidence is currently insufficient to determine the role of this variant in disease. Therefore, it has been classified as a Variant of Uncertain Significance.

GeneDx
Classification: Uncertain significance. Last evaluated: 2024-01-16. Review status: criteria provided, single submitter. Criteria: GeneDx Variant Classification Process June 2021. Collection method: clinical testing. Allele origin: germline. Affected: yes.
Comment: In silico analysis supports that this missense variant does not alter protein structure/function; Has not been previously published as pathogenic or benign to our knowledge; Variants in candidate genes are classified as variants of uncertain significance in accordance with ACMG guidelines (PMID: 25741868)

Baylor Genetics
Classification: Uncertain significance for Sessile serrated polyposis cancer syndrome. Last evaluated: 2023-10-22. Review status: criteria provided, single submitter. Criteria: ACMG Guidelines, 2015. Collection method: clinical testing. Allele origin: unknown.

NM_017763.6(RNF43):c.686C>T (p.Pro229Leu)

Gene: RNF43 (ring finger protein 43; minus strand). Cytogenetic location: 17q22.
Variant type: single nucleotide variant.
Coding change: c.686C>T on transcript NM_017763.6 (MANE Select); coding-DNA position 686, C replaced by T.
Protein change: p.Pro229Leu; replaces proline 229 with leucine.
Molecular consequence: missense variant.
Genome position (GRCh38, 1-based): chr17:58,362,545, G>A on the plus strand (C>T on the coding strand, the complement: RNF43 is on the minus strand). VCF-style: chr17-58362545-G-A. GRCh37 (hg19) VCF-style: chr17-56439906-G-A.
Other names: c.686C>T, p.Pro229Leu (NM_001305544.3); c.305C>T, p.Pro102Leu (NM_001305545.2); c.686C>T (NM_017763.4); short protein forms P102L, P229L.
Identifiers: ClinVar variation 1021876 (VCV001021876.9), dbSNP rs763974538, ClinGen allele CA8673345.